The following is an entry in ClinVar:

ClinVar aggregate classification (germline): Pathogenic (1 of 4 stars; one submission).

Submission:

GeneDx
Classification: Pathogenic. Last evaluated: 2017-07-05. Review status: criteria provided, single submitter. Criteria: GeneDx Variant Classification (06012015). Collection method: clinical testing. Allele origin: germline. Affected: yes.
Comment: The c.2628delC variant in the AHDC1 gene has not been reported previously as a pathogenic variant nor as a benign variant, to our knowledge. The c.2628delC variant causes a frameshift starting with codon Serine 877, changes this amino acid to a Valine residue, and creates a premature Stop codon at position 55 of the new reading frame, denoted p.Ser877ValfsX55. This variant is predicted to cause loss of normal protein function through protein truncation. The c.2628delC variant is not observed in large population cohorts (Lek et al., 2016; 1000 Genomes Consortium et al., 2015; Exome Variant Server). We interpret c.2628delC as a pathogenic variant.

NM_001371928.1(AHDC1):c.2628del (p.Ser877fs)

Gene: AHDC1 (AT-hook DNA binding motif containing 1; minus strand). Cytogenetic location: 1p36.11.
Variant type: Deletion.
Coding change: c.2628del on transcript NM_001371928.1 (MANE Select); coding-DNA position 2628, one base deleted (C; older notation c.2628delC).
Protein change: p.Ser877fs; shifts the reading frame from serine 877.
Molecular consequence: frameshift variant.
Genome position (GRCh38, 1-based): chr1:27,549,488, G deleted on the plus strand (C on the coding strand, the reverse complement: AHDC1 is on the minus strand); the first of 2 consecutive G bases (chr1:27,549,488-27,549,489); deleting either gives the same sequence. VCF-style (leftmost placement, unchanged base first): chr1-27549487-TG-T. GRCh37 (hg19) VCF-style: chr1-27875998-TG-T.
Other names: c.2628del, p.Ser877fs (NM_001029882.3); short protein forms S877fs.
Identifiers: ClinVar variation 450320 (VCV000450320.2), dbSNP rs1553158807, ClinGen allele CA658656896.
Genomic context (GRCh38, chr1:27,549,487, plus strand): 5'-GGCTGGCCTTGGCTCCCCGGCTAGGGAAGGTGGCCAGGCCCCGCTGGGCAGGCAGGGCAC[TG>T]GTGGGTGGCCCTGCATAGGTGCCCGATGCCTTCCGGGACTCTGGGCGAGAGGCTGAGAGG-3'